The following is an entry in ClinVar:

ClinVar aggregate classification (germline): Uncertain significance (1 of 4 stars; one submission).

Conditions:
Exostoses, multiple, type 2 (EXT2). Also called: Hereditary Multiple Osteochondromatosis, Type II; EXOSTOSES, MULTIPLE, TYPE II. Identifiers: Orphanet 321, MedGen C1851413, MONDO:0007586, OMIM 133701.

Submission:

Labcorp Genetics (formerly Invitae), Labcorp
Classification: Uncertain significance for Exostoses, multiple, type 2. Last evaluated: 2025-09-30. Review status: criteria provided, single submitter. Criteria: Invitae Variant Classification Sherloc (09022015). Collection method: clinical testing. Allele origin: germline.
Comment: This sequence change replaces tyrosine, which is neutral and polar, with histidine, which is basic and polar, at codon 222 of the EXT2 protein (p.Tyr222His). This variant is not present in population databases (gnomAD no frequency). This variant has not been reported in the literature in individuals affected with EXT2-related conditions. Invitae Evidence Modeling of protein sequence and biophysical properties (such as structural, functional, and spatial information, amino acid conservation, physicochemical variation, residue mobility, and thermodynamic stability) has been performed for this missense variant. However, the output from this modeling did not meet the statistical confidence thresholds required to predict the impact of this variant on EXT2 protein function. In summary, the available evidence is currently insufficient to determine the role of this variant in disease. Therefore, it has been classified as a Variant of Uncertain Significance.

NM_207122.2(EXT2):c.664T>C (p.Tyr222His)

Gene: EXT2 (exostosin glycosyltransferase 2; plus strand). Cytogenetic location: 11p11.2.
Variant type: single nucleotide variant.
Coding change: c.664T>C on transcript NM_207122.2 (MANE Select); coding-DNA position 664, T replaced by C.
Protein change: p.Tyr222His; replaces tyrosine 222 with histidine.
Molecular consequence: missense variant.
Genome position (GRCh38, 1-based): chr11:44,114,222, T>C. VCF-style: chr11-44114222-T-C. GRCh37 (hg19) VCF-style: chr11-44135772-T-C.
Other names: c.664T>C, p.Tyr222His (NM_001178083.3, NM_001389628.1, NM_001389630.1); c.763T>C, p.Tyr255His (NM_000401.3); short protein forms Y222H, Y255H.
Identifiers: ClinVar variation 4771621 (VCV004771621.1).